The following is an entry in ClinVar:

NM_005559.4(LAMA1):c.5713G>A (p.Val1905Ile)

Gene: LAMA1 (laminin subunit alpha 1; minus strand). Cytogenetic location: 18p11.31.
Variant type: single nucleotide variant.
Coding change: c.5713G>A on transcript NM_005559.4 (MANE Select); coding-DNA position 5713, G replaced by A.
Protein change: p.Val1905Ile; replaces valine 1905 with isoleucine.
Molecular consequence: missense variant.
Genome position (GRCh38, 1-based): chr18:6,983,182, C>T on the plus strand (G>A on the coding strand, the complement: LAMA1 is on the minus strand). VCF-style: chr18-6983182-C-T. GRCh37 (hg19) VCF-style: chr18-6983181-C-T.
Other names: short protein forms V1905I.
Identifiers: ClinVar variation 2008117 (VCV002008117.4), dbSNP rs1246410559, ClinGen allele CA401835668.
Genomic context (GRCh38, chr18:6,983,182, plus strand): 5'-TGTGAGCATCTCTGGCCAGTTCCTCCGATTCTTCAATCAGGCTCTGGATGTTGTAATGGA[C>T]ATAGGCTGCACTGGTGGCATTCAGGGACACATTTCTGATGTTTTCAAGGCCACTATCAAA-3'
Protein context (NP_005550.2, residues 1895-1915): VSLNATSAAY[Val1905Ile]HYNIQSLIEE

ClinVar aggregate classification (germline): Uncertain significance (1 of 4 stars; one submission).

Allele frequency attached by ClinVar (database versions not stated): gnomAD exomes below 0.00001; TOPMed below 0.00001; gnomAD 0.00001.
gnomAD v4.1: 5 of 1,614,050 alleles (0.00031%); highest among the groups gnomAD compares: Non-Finnish European, 0.00042%; no homozygotes.

Submission:

Labcorp Genetics (formerly Invitae), Labcorp
Classification: Uncertain significance. Last evaluated: 2022-06-26. Review status: criteria provided, single submitter. Criteria: Invitae Variant Classification Sherloc (09022015). Collection method: clinical testing. Allele origin: germline.
Comment: In summary, the available evidence is currently insufficient to determine the role of this variant in disease. Therefore, it has been classified as a Variant of Uncertain Significance. Algorithms developed to predict the effect of missense changes on protein structure and function output the following: SIFT: "Tolerated"; PolyPhen-2: "Benign"; Align-GVGD: "Class C0". The isoleucine amino acid residue is found in multiple mammalian species, which suggests that this missense change does not adversely affect protein function. This variant has not been reported in the literature in individuals affected with LAMA1-related conditions. This variant is not present in population databases (gnomAD no frequency). This sequence change replaces valine, which is neutral and non-polar, with isoleucine, which is neutral and non-polar, at codon 1905 of the LAMA1 protein (p.Val1905Ile).